The following is an entry in ClinVar:

NM_152773.5(DYNLT2B):c.161A>G (p.Glu54Gly)

Genes: DYNLT2B (dynein light chain Tctex-type 2B; minus strand), TM4SF19-DYNLT2B (TM4SF19-DYNLT2B readthrough (NMD candidate); minus strand). Cytogenetic location: 3q29.
Variant type: single nucleotide variant.
Coding change: c.161A>G on transcript NM_152773.5 (MANE Select); coding-DNA position 161, A replaced by G.
Protein change: p.Glu54Gly; replaces glutamic acid 54 with glycine.
Molecular consequence: missense variant. On other transcripts: non-coding transcript variant (1).
Genome position (GRCh38, 1-based): chr3:196,316,184, T>C on the plus strand (A>G on the coding strand, the complement: DYNLT2B is on the minus strand). VCF-style: chr3-196316184-T-C. GRCh37 (hg19) VCF-style: chr3-196043055-T-C.
Other names: c.161A>G, p.Glu54Gly (NM_001351628.2); short protein forms E54G.
Identifiers: ClinVar variation 2037803 (VCV002037803.4), dbSNP rs2474100230, ClinGen allele CA355589370.

ClinVar aggregate classification (germline): Uncertain significance (1 of 4 stars; one submission).

Submission:

Labcorp Genetics (formerly Invitae), Labcorp
Classification: Uncertain significance. Last evaluated: 2024-02-24. Review status: criteria provided, single submitter. Criteria: Invitae Variant Classification Sherloc (09022015). Collection method: clinical testing. Allele origin: germline.
Comment: This sequence change replaces glutamic acid, which is acidic and polar, with glycine, which is neutral and non-polar, at codon 54 of the TCTEX1D2 protein (p.Glu54Gly). This variant is not present in population databases (gnomAD no frequency). This variant has not been reported in the literature in individuals affected with TCTEX1D2-related conditions. ClinVar contains an entry for this variant (Variation ID: 2037803). An algorithm developed to predict the effect of missense changes on protein structure and function (PolyPhen-2) suggests that this variant is likely to be tolerated. In summary, the available evidence is currently insufficient to determine the role of this variant in disease. Therefore, it has been classified as a Variant of Uncertain Significance.